The following is an entry in ClinVar:

NM_001130987.2(DYSF):c.3634A>C (p.Thr1212Pro)

Gene: DYSF (dysferlin; plus strand). Cytogenetic location: 2p13.2.
Variant type: single nucleotide variant.
Coding change: c.3634A>C on transcript NM_001130987.2 (MANE Select); coding-DNA position 3634, A replaced by C.
Protein change: p.Thr1212Pro; replaces threonine 1212 with proline.
Molecular consequence: missense variant.
Genome position (GRCh38, 1-based): chr2:71,598,623, A>C. VCF-style: chr2-71598623-A-C. GRCh37 (hg19) VCF-style: chr2-71825753-A-C.
Other names: c.3583A>C, p.Thr1195Pro (NM_001130455.2, NM_001130983.2); c.3538A>C, p.Thr1180Pro (NM_001130976.2, NM_001130977.2); c.3580A>C, p.Thr1194Pro (NM_001130978.2, NM_003494.4); c.3673A>C, p.Thr1225Pro (NM_001130979.2); c.3631A>C, p.Thr1211Pro (NM_001130980.2, NM_001130981.2); c.3676A>C, p.Thr1226Pro (NM_001130982.2); c.3541A>C, p.Thr1181Pro (NM_001130984.2, NM_001130986.2); c.3634A>C, p.Thr1212Pro (NM_001130985.2); short protein forms T1181P, T1194P, T1195P, T1211P, T1226P, T1180P, T1225P, T1212P.
Identifiers: ClinVar variation 1971259 (VCV001971259.5), dbSNP rs1574263599, ClinGen allele CA347223713.

ClinVar aggregate classification (germline): Uncertain significance (1 of 4 stars; one submission).

Conditions:
Neuromuscular disease caused by qualitative or quantitative defects of dysferlin. Also called: Qualitative or quantitative defects of dysferlin; Dysferlinopathy. Identifiers: Orphanet 207073, MedGen C2931687, MONDO:0016145.

Submission:

Labcorp Genetics (formerly Invitae), Labcorp
Classification: Uncertain significance for Neuromuscular disease caused by qualitative or quantitative defects of dysferlin. Last evaluated: 2022-01-21. Review status: criteria provided, single submitter. Criteria: Invitae Variant Classification Sherloc (09022015). Collection method: clinical testing. Allele origin: germline.
Comment: In summary, the available evidence is currently insufficient to determine the role of this variant in disease. Therefore, it has been classified as a Variant of Uncertain Significance. Advanced modeling of protein sequence and biophysical properties (such as structural, functional, and spatial information, amino acid conservation, physicochemical variation, residue mobility, and thermodynamic stability) performed at Invitae indicates that this missense variant is expected to disrupt DYSF protein function. This variant has not been reported in the literature in individuals affected with DYSF-related conditions. This variant is not present in population databases (gnomAD no frequency). This sequence change replaces threonine, which is neutral and polar, with proline, which is neutral and non-polar, at codon 1194 of the DYSF protein (p.Thr1194Pro).